The following is an entry in ClinVar:

ClinVar aggregate classification (germline): Uncertain significance (1 of 4 stars; one submission).

Submission:

GeneDx
Classification: Uncertain significance. Last evaluated: 2023-10-27. Review status: criteria provided, single submitter. Criteria: GeneDx Variant Classification Process June 2021. Collection method: clinical testing. Allele origin: germline. Affected: yes.
Comment: Not observed at significant frequency in large population cohorts (gnomAD); In silico analysis supports that this missense variant has a deleterious effect on protein structure/function; Has not been previously published as pathogenic or benign to our knowledge

NM_012398.3(PIP5K1C):c.1242G>T (p.Lys414Asn)

Gene: PIP5K1C (phosphatidylinositol-4-phosphate 5-kinase type 1 gamma; minus strand). Cytogenetic location: 19p13.3.
Variant type: single nucleotide variant.
Coding change: c.1242G>T on transcript NM_012398.3 (MANE Select); coding-DNA position 1242, G replaced by T.
Protein change: p.Lys414Asn; replaces lysine 414 with asparagine.
Molecular consequence: missense variant.
Genome position (GRCh38, 1-based): chr19:3,647,356, C>A on the plus strand (G>T on the coding strand, the complement: PIP5K1C is on the minus strand). VCF-style: chr19-3647356-C-A. GRCh37 (hg19) VCF-style: chr19-3647354-C-A.
Other names: c.1242G>T, p.Lys414Asn (NM_001195733.2, NM_001300849.2); short protein forms K414N.
Identifiers: ClinVar variation 3363500 (VCV003363500.1).